The following is an entry in ClinVar:

ClinVar aggregate classification (germline): Uncertain significance (1 of 4 stars; one submission).

Submission:

Labcorp Genetics (formerly Invitae), Labcorp
Classification: Uncertain significance. Last evaluated: 2022-05-05. Review status: criteria provided, single submitter. Criteria: Invitae Variant Classification Sherloc (09022015). Collection method: clinical testing. Allele origin: germline.
Comment: This sequence change replaces valine, which is neutral and non-polar, with leucine, which is neutral and non-polar, at codon 19 of the COL11A1 protein (p.Val19Leu). This variant is not present in population databases (gnomAD no frequency). This variant has not been reported in the literature in individuals affected with COL11A1-related conditions. Advanced modeling of protein sequence and biophysical properties (such as structural, functional, and spatial information, amino acid conservation, physicochemical variation, residue mobility, and thermodynamic stability) performed at Invitae indicates that this missense variant is not expected to disrupt COL11A1 protein function. In summary, the available evidence is currently insufficient to determine the role of this variant in disease. Therefore, it has been classified as a Variant of Uncertain Significance.

NM_001854.4(COL11A1):c.55G>C (p.Val19Leu)

Gene: COL11A1 (collagen type XI alpha 1 chain; minus strand). Cytogenetic location: 1p21.1.
Variant type: single nucleotide variant.
Coding change: c.55G>C on transcript NM_001854.4 (MANE Select); coding-DNA position 55, G replaced by C.
Protein change: p.Val19Leu; replaces valine 19 with leucine.
Molecular consequence: missense variant. On other transcripts: non-coding transcript variant (1).
Genome position (GRCh38, 1-based): chr1:103,108,124, C>G on the plus strand (G>C on the coding strand, the complement: COL11A1 is on the minus strand). VCF-style: chr1-103108124-C-G. GRCh37 (hg19) VCF-style: chr1-103573680-C-G.
Other names: c.55G>C, p.Val19Leu (NM_001168249.1, NM_001190709.2, NM_080629.3 and 1 more transcripts); short protein forms V19L.
Identifiers: ClinVar variation 2134304 (VCV002134304.4), dbSNP rs770851098, ClinGen allele CA341159550.
Genomic context (GRCh38, chr1:103,108,124, plus strand): 5'-TTTTCTTACCTCCTCTGACCTCTCTAGCTTGGAAGAGGAAGGTCAATGCGAGGGTTGTTA[C>G]GGTGAAATCCCAGAGCCACCGTTTCGTTTTCCACCTAGAGGACCACGGCTCCATCTCCGA-3'
Protein context (NP_001845.3, residues 9-29): KTKRWLWDFT[Val19Leu]TTLALTFLFQ